The following is an entry in ClinVar:

ClinVar aggregate classification (germline): Uncertain significance. Review status: criteria provided, multiple submitters, no conflicts (2 of 4 stars). 2 submissions from 2 submitters: Uncertain significance (2). Last evaluated 2023-08-30.

Conditions:
Hereditary cancer-predisposing syndrome. Also called: Tumor predisposition; Hereditary Cancer Syndrome; Hereditary neoplastic syndrome; Neoplastic Syndromes, Hereditary. Identifiers: Orphanet 140162, MedGen C0027672, MeSH D009386, MONDO:0015356.
Hereditary pheochromocytoma and paraganglioma. Also called: Hereditary paragangliomas and pheochromocytomas; Hereditary Paraganglioma-Pheochromocytoma Syndromes; Hereditary pheochromocytoma-paraganglioma. Identifiers: Orphanet 29072, MedGen C4274332, MONDO:0017366.

Submissions (2):

Ambry Genetics
Classification: Uncertain significance for Hereditary cancer-predisposing syndrome. Last evaluated: 2023-08-30. Review status: criteria provided, single submitter. Criteria: Ambry Variant Classification Scheme 2023. Collection method: clinical testing. Allele origin: germline.
Comment: The p.H44Y variant (also known as c.130C>T), located in coding exon 3 of the MAX gene, results from a C to T substitution at nucleotide position 130. The histidine at codon 44 is replaced by tyrosine, an amino acid with similar properties. This amino acid position is highly conserved in available vertebrate species. In addition, this alteration is predicted to be deleterious by in silico analysis. Since supporting evidence is limited at this time, the clinical significance of this alteration remains unclear.

Labcorp Genetics (formerly Invitae), Labcorp
Classification: Uncertain significance for Hereditary pheochromocytoma and paraganglioma. Last evaluated: 2022-11-08. Review status: criteria provided, single submitter. Criteria: Invitae Variant Classification Sherloc (09022015). Collection method: clinical testing. Allele origin: germline.
Comment: In summary, the available evidence is currently insufficient to determine the role of this variant in disease. Therefore, it has been classified as a Variant of Uncertain Significance. Algorithms developed to predict the effect of missense changes on protein structure and function (SIFT, PolyPhen-2, Align-GVGD) all suggest that this variant is likely to be tolerated. ClinVar contains an entry for this variant (Variation ID: 1479768). This variant has not been reported in the literature in individuals affected with MAX-related conditions. This variant is not present in population databases (gnomAD no frequency). This sequence change replaces histidine, which is basic and polar, with tyrosine, which is neutral and polar, at codon 44 of the MAX protein (p.His44Tyr).

NM_002382.5(MAX):c.130C>T (p.His44Tyr)

Genes: MAX (MYC associated transcriptional regulator X; minus strand), MAX-AS1 (MAX antisense RNA 1; plus strand). Cytogenetic location: 14q23.3.
Variant type: single nucleotide variant.
Coding change: c.130C>T on transcript NM_002382.5 (MANE Select); coding-DNA position 130, C replaced by T.
Protein change: p.His44Tyr; replaces histidine 44 with tyrosine.
Molecular consequence: missense variant. On other transcripts: non-coding transcript variant (1), 5 prime UTR variant (1), synonymous variant (1).
Genome position (GRCh38, 1-based): chr14:65,093,749, G>A on the plus strand (C>T on the coding strand, the complement: MAX is on the minus strand). VCF-style: chr14-65093749-G-A. GRCh37 (hg19) VCF-style: chr14-65560467-G-A.
Other names: c.103C>T, p.His35Tyr (NM_001271068.2, NM_001271069.2, NM_001407095.1 and 9 more transcripts); c.-145C>T (NM_001320415.2, NM_001407105.1, NM_001407106.1 and 1 more transcripts); c.130C>T, p.His44Tyr (NM_001407094.1, NM_001407096.1, NM_001407097.1 and 5 more transcripts); c.-238C>T (NM_001407111.1, NM_001407112.1); c.153C>T, p.Phe51= (NM_001407114.1); short protein forms H35Y, H44Y.
Identifiers: ClinVar variation 1479768 (VCV001479768.8), dbSNP rs2139884129, ClinGen allele CA390037683.